The following is an entry in ClinVar:

NM_001348716.2(KDM6B):c.1802C>T (p.Pro601Leu)

Gene: KDM6B (lysine demethylase 6B; plus strand). Cytogenetic location: 17p13.1.
Variant type: single nucleotide variant.
Coding change: c.1802C>T on transcript NM_001348716.2 (MANE Select); coding-DNA position 1802, C replaced by T.
Protein change: p.Pro601Leu; replaces proline 601 with leucine.
Molecular consequence: missense variant.
Genome position (GRCh38, 1-based): chr17:7,848,090, C>T. VCF-style: chr17-7848090-C-T. GRCh37 (hg19) VCF-style: chr17-7751408-C-T.
Other names: c.1802C>T, p.Pro601Leu (NM_001080424.2); short protein forms P601L.
Identifiers: ClinVar variation 4883366 (VCV004883366.2).
Genomic context (GRCh38, chr17:7,848,090, plus strand): 5'-TAGACCCCCTTCCCCGGCCTCCCAGCCCAGCACAGAACCCCCAGGACCCACCTCTTGTAC[C>T]CCTGACTCTTGCCCTGCCTCCAGCCCCTCCTTCCTCCTGCCACCAAAATACCTCAGGAAG-3'
Protein context (NP_001335645.1, residues 591-611): AQNPQDPPLV[Pro601Leu]LTLALPPAPP

ClinVar aggregate classification (germline): Uncertain significance (1 of 4 stars; one submission).

Submission:

Dasa
Classification: Uncertain significance. Last evaluated: 2026-03-03. Review status: criteria provided, single submitter. Criteria: DASA Assertion Criteria. Collection method: clinical testing. Allele origin: germline.
Comment: NM_001348716.2(KDM6B):c.1802C>T (p.Pro601Leu) is a missense variant that results in the substitution of proline with leucine. This variant is rare in population databases. Computational prediction algorithms are consistent with a benign effect. The currently available literature and clinical evidence are not sufficient to establish a definitive association between this variant and the reported condition. Therefore, this variant is classified as a variant of uncertain significance.